The following is an entry in ClinVar:

NM_005911.6(MAT2A):c.717T>G (p.Asp239Glu)

Genes: GGCX (gamma-glutamyl carboxylase; minus strand), MAT2A (methionine adenosyltransferase 2A; plus strand). Cytogenetic location: 2p11.2.
Variant type: single nucleotide variant.
Coding change: c.717T>G on transcript NM_005911.6 (MANE Select); coding-DNA position 717, T replaced by G.
Protein change: p.Asp239Glu; replaces aspartic acid 239 with glutamic acid.
Molecular consequence: missense variant.
Genome position (GRCh38, 1-based): chr2:85,542,322, T>G. VCF-style: chr2-85542322-T-G. GRCh37 (hg19) VCF-style: chr2-85769445-T-G.
Other names: short protein forms D239E.
Identifiers: ClinVar variation 3225174 (VCV003225174.1), dbSNP rs2529632081, ClinGen allele CA347477408.
Genomic context (GRCh38, chr2:85,542,322, plus strand): 5'-GGATGCCCTAAAGGAGAAAGTCATCAAAGCAGTTGTGCCTGCGAAATACCTTGATGAGGA[T>G]ACAATCTACCACCTACAGCCAAGTGGCAGATTTGTTATTGGTGGGCCTCAGGTAATGTCA-3'
Protein context (NP_005902.1, residues 229-249): AVVPAKYLDE[Asp239Glu]TIYHLQPSGR

ClinVar aggregate classification (germline): Uncertain significance (1 of 4 stars; one submission).

Conditions:
Cardiovascular phenotype. Identifiers: MedGen CN230736.

Submission:

Ambry Genetics
Classification: Uncertain significance for Cardiovascular phenotype. Last evaluated: 2023-11-06. Review status: criteria provided, single submitter. Criteria: Ambry Variant Classification Scheme 2023. Collection method: clinical testing. Allele origin: germline.
Comment: The p.D239E variant (also known as c.717T>G), located in coding exon 6 of the MAT2A gene, results from a T to G substitution at nucleotide position 717. The aspartic acid at codon 239 is replaced by glutamic acid, an amino acid with highly similar properties. This amino acid position is conserved. In addition, this alteration is predicted to be tolerated by in silico analysis. Since supporting evidence is limited at this time, the clinical significance of this alteration remains unclear.